The following is an entry in ClinVar:

ClinVar aggregate classification (germline): Uncertain significance. Review status: criteria provided, multiple submitters, no conflicts (2 of 4 stars). 2 submissions from 2 submitters: Uncertain significance (2). Last evaluated 2023-08-14.

Allele frequency attached by ClinVar (database versions not stated): gnomAD exomes below 0.00001; TOPMed below 0.00001; ExAC 0.00001; gnomAD 0.00001.
gnomAD v4.1: 3 of 1,613,738 alleles (0.00019%); highest among the groups gnomAD compares: South Asian, 0.0011%; no homozygotes.

Submissions (2):

Clinical Genomics Laboratory, Washington University in St. Louis
Classification: Uncertain significance. Last evaluated: 2023-08-14. Review status: criteria provided, single submitter. Criteria: ACMG Guidelines, 2015. Collection method: clinical testing. Allele origin: germline.
Comment: The WWP1 c.1252C>T (p.Arg418*) variant, to our knowledge, has not been reported in the medical literature and is only observed on 1/251,384 alleles in the general population (gnomAD v.2.1.1), indicating it is not a common variant. This variant causes a premature termination codon, which is predicted to lead to nonsense mediated decay. Due to limited information, the clinical significance of this variant is uncertain.

Blueprint Genetics
Classification: Uncertain significance. Last evaluated: 2019-09-04. Review status: criteria provided, single submitter. Criteria: ACMG Guidelines, 2015. Collection method: clinical testing. Allele origin: germline.

NM_007013.4(WWP1):c.1252C>T (p.Arg418Ter)

Gene: WWP1 (WW domain containing E3 ubiquitin protein ligase 1; plus strand). Cytogenetic location: 8q21.3.
Variant type: single nucleotide variant.
Coding change: c.1252C>T on transcript NM_007013.4 (MANE Select); coding-DNA position 1252, C replaced by T.
Protein change: p.Arg418Ter; replaces arginine 418 with a stop codon.
Molecular consequence: nonsense.
Genome position (GRCh38, 1-based): chr8:86,427,737, C>T. VCF-style: chr8-86427737-C-T. GRCh37 (hg19) VCF-style: chr8-87439966-C-T.
Other names: short protein forms R418*.
Identifiers: ClinVar variation 2672206 (VCV002672206.2), dbSNP rs771835365, ClinGen allele CA4798262.